The following is an entry in ClinVar:

ClinVar aggregate classification (germline): Uncertain significance (1 of 4 stars; one submission).

gnomAD v4.1: 1 of 1,614,068 alleles (0.000062%); highest among the groups gnomAD compares: Non-Finnish European, 0.000085%; no homozygotes.

Submission:

Labcorp Genetics (formerly Invitae), Labcorp
Classification: Uncertain significance. Last evaluated: 2024-05-17. Review status: criteria provided, single submitter. Criteria: Invitae Variant Classification Sherloc (09022015). Collection method: clinical testing. Allele origin: germline.
Comment: This sequence change replaces lysine, which is basic and polar, with threonine, which is neutral and polar, at codon 292 of the INSR protein (p.Lys292Thr). This variant is not present in population databases (gnomAD no frequency). This variant has not been reported in the literature in individuals affected with INSR-related conditions. Advanced modeling of protein sequence and biophysical properties (such as structural, functional, and spatial information, amino acid conservation, physicochemical variation, residue mobility, and thermodynamic stability) performed at Invitae indicates that this missense variant is not expected to disrupt INSR protein function with a negative predictive value of 80%. In summary, the available evidence is currently insufficient to determine the role of this variant in disease. Therefore, it has been classified as a Variant of Uncertain Significance.

NM_000208.4(INSR):c.875A>C (p.Lys292Thr)

Gene: INSR (insulin receptor; minus strand). Cytogenetic location: 19p13.2.
Variant type: single nucleotide variant.
Coding change: c.875A>C on transcript NM_000208.4 (MANE Select); coding-DNA position 875, A replaced by C.
Protein change: p.Lys292Thr; replaces lysine 292 with threonine.
Molecular consequence: missense variant.
Genome position (GRCh38, 1-based): chr19:7,184,415, T>G on the plus strand (A>C on the coding strand, the complement: INSR is on the minus strand). VCF-style: chr19-7184415-T-G. GRCh37 (hg19) VCF-style: chr19-7184426-T-G.
Other names: c.875A>C, p.Lys292Thr (NM_001079817.3); short protein forms K292T.
Identifiers: ClinVar variation 3652944 (VCV003652944.2).